The following is an entry in ClinVar:

NM_001164277.2(SLC37A4):c.625G>C (p.Gly209Arg)

Gene: SLC37A4 (solute carrier family 37 member 4; minus strand). Cytogenetic location: 11q23.3.
Variant type: single nucleotide variant.
Coding change: c.625G>C on transcript NM_001164277.2 (MANE Select); coding-DNA position 625, G replaced by C.
Protein change: p.Gly209Arg; replaces glycine 209 with arginine.
Molecular consequence: missense variant.
Genome position (GRCh38, 1-based): chr11:119,027,628, C>G on the plus strand (G>C on the coding strand, the complement: SLC37A4 is on the minus strand). VCF-style: chr11-119027628-C-G. GRCh37 (hg19) VCF-style: chr11-118898338-C-G.
Other names: c.625G>C, p.Gly209Arg (NM_001164278.2, NM_001164280.2, NM_001467.6); c.406G>C, p.Gly136Arg (NM_001164279.2); short protein forms G209R, G136R.
Identifiers: ClinVar variation 551747 (VCV000551747.9), dbSNP rs1272300904, ClinGen allele CA382901787.

ClinVar aggregate classification (germline): Conflicting classifications of pathogenicity. Review status: criteria provided, conflicting classifications (1 of 4 stars). 6 submissions from 6 submitters: Likely pathogenic (1); Uncertain significance (4). 1 of the submissions does not count toward it. Last evaluated 2026-04-03.

Conditions:
Glucose-6-phosphate transport defect (GSD1B). Also called: Glycogen Storage Disease Type Ib; GSD Ib. Identifiers: Orphanet 364, Orphanet 79259, MedGen C0268146, MONDO:0009288, OMIM 232220.
Phosphate transport defect (GSD1C). Also called: GSD Ic; GLYCOGEN STORAGE DISEASE Ic. Identifiers: Orphanet 364, Orphanet 79259, MedGen C0342749, OMIM 232240.
Glycogen storage disease, type I. Identifiers: Orphanet 364, MedGen C0017920, MONDO:0002413.

Allele frequency attached by ClinVar (database versions not stated): gnomAD 0.00001.

Submissions (6):

Myriad Genetics, Inc.
Classification: Uncertain significance for Glycogen storage disease, type I. Last evaluated: 2026-04-03. Review status: criteria provided, single submitter. Criteria: Myriad Autosomal Dominant, Autosomal Recessive and X-Linked Classification Criteria (2023). Collection method: clinical testing. Allele origin: unknown.
Comment: NM_001164277.1(SLC37A4):c.625G>C(G209R) is a missense variant classified as a variant of uncertain significance in the context of glycogen storage disease type Ib. G209R has been observed in a case with relevant disease (PMID: 39723121). Relevant functional assessments of this variant are not available in the literature. G209R has not been observed in referenced population frequency databases. In summary, there is insufficient evidence to classify NM_001164277.1(SLC37A4):c.625G>C(G209R) as pathogenic or benign. Please note: this variant was assessed in the context of healthy population screening.

Intergen Genetics and Rare Diseases Diagnosis Center
Classification: Likely pathogenic for Glucose-6-phosphate transport defect; Phosphate transport defect. Last evaluated: 2025-12-06. Review status: criteria provided, single submitter. Criteria: ACMG Guidelines, 2015. Collection method: clinical testing. Allele origin: germline. Inheritance: Autosomal recessive inheritance. Affected: yes. Observed: 1 homozygote.
Comment: In addition, RNA sequencing analysis provided supporting evidence for a deleterious effect of the variant.

Department of Pathology and Laboratory Medicine, Sinai Health System
Classification: Uncertain significance for Glucose-6-phosphate transport defect. Last evaluated: 2023-02-22. Review status: criteria provided, single submitter. Criteria: ACMG Guidelines, 2015. Collection method: research. Allele origin: germline.

Women's Health and Genetics/Laboratory Corporation of America, LabCorp
Classification: Uncertain significance. Last evaluated: 2022-06-22. Review status: criteria provided, single submitter. Criteria: LabCorp Variant Classification Summary - May 2015. Collection method: clinical testing. Allele origin: germline.
Comment: Variant summary: SLC37A4 c.625G>C (p.Gly209Arg) results in a non-conservative amino acid change in the encoded protein sequence. Two of three in-silico tools predict a damaging effect of the variant on protein function. Several computational tools predict a significant impact on normal splicing: One predict the variant abolishes the canonical 5' splicing donor site. Three predict the variant weakens the canonical 5' splicing donor site. However, these predictions have yet to be confirmed by functional studies. The variant was absent in 248978 control chromosomes. The available data on variant occurrences in the general population are insufficient to allow any conclusion about variant significance. To our knowledge, no occurrence of c.625G>C in individuals affected with Glycogen Storage Disease Type Ib and no experimental evidence demonstrating its impact on protein function have been reported. One clinical diagnostic laboratory has submitted clinical-significance assessments for this variant to ClinVar after 2014 without evidence for independent evaluation and classified the variant as uncertain significance. Based on the evidence outlined above, the variant was classified as uncertain significance.

Labcorp Genetics (formerly Invitae), Labcorp
Classification: Uncertain significance for Glucose-6-phosphate transport defect. Last evaluated: 2022-02-10. Review status: criteria provided, single submitter. Criteria: Invitae Variant Classification Sherloc (09022015). Collection method: clinical testing. Allele origin: germline.
Comment: In summary, the available evidence is currently insufficient to determine the role of this variant in disease. Therefore, it has been classified as a Variant of Uncertain Significance. Variants that disrupt the consensus splice site are a relatively common cause of aberrant splicing (PMID: 17576681, 9536098). Algorithms developed to predict the effect of sequence changes on RNA splicing suggest that this variant may disrupt the consensus splice site. ClinVar contains an entry for this variant (Variation ID: 551747). This missense change has been observed in individual(s) with clinical features of glycogen storage disease (Invitae). This variant is present in population databases (no rsID available, gnomAD 0.06%). This sequence change replaces glycine, which is neutral and non-polar, with arginine, which is basic and polar, at codon 209 of the SLC37A4 protein (p.Gly209Arg). This variant also falls at the last nucleotide of exon 5, which is part of the consensus splice site for this exon.

Counsyl
Classification: Uncertain significance for Glucose-6-phosphate transport defect. Last evaluated: 2017-05-15. Review status: no assertion criteria provided. Collection method: clinical testing. Allele origin: unknown. Not counted in ClinVar's aggregate classification.

Literature cited by the submitters: PubMed 39723121 (cited by Myriad Genetics, Inc.); PubMed 17576681 (cited by Labcorp Genetics (formerly Invitae), Labcorp); PubMed 9536098 (cited by Labcorp Genetics (formerly Invitae), Labcorp).